The following is an entry in ClinVar:

NM_006031.6(PCNT):c.9023A>G (p.Asn3008Ser)

Gene: PCNT (pericentrin; plus strand). Cytogenetic location: 21q22.3.
Variant type: single nucleotide variant.
Coding change: c.9023A>G on transcript NM_006031.6 (MANE Select); coding-DNA position 9023, A replaced by G.
Protein change: p.Asn3008Ser; replaces asparagine 3008 with serine.
Molecular consequence: missense variant.
Genome position (GRCh38, 1-based): chr21:46,437,005, A>G. VCF-style: chr21-46437005-A-G. GRCh37 (hg19) VCF-style: chr21-47856918-A-G.
Other names: c.8432A>G, p.Asn2811Ser (NM_001315529.2); short protein forms N2811S, N3008S.
Identifiers: ClinVar variation 2519227 (VCV002519227.3), dbSNP rs763369808, ClinGen allele CA10081175.

ClinVar aggregate classification (germline): Uncertain significance. Review status: criteria provided, multiple submitters, no conflicts (2 of 4 stars). 2 submissions from 2 submitters: Uncertain significance (2). Last evaluated 2026-04-07.

Conditions:
Inborn genetic diseases. Identifiers: MedGen C0950123, MeSH D030342.
PCNT-related disorder. Also called: PCNT-related condition.

Allele frequency attached by ClinVar (database versions not stated): TOPMed below 0.00001; gnomAD exomes 0.00001; ExAC 0.00002.
gnomAD v4.1: 16 of 1,614,070 alleles (0.00099%); highest among the groups gnomAD compares: East Asian, 0.0089%; no homozygotes.

Submissions (2):

PreventionGenetics, part of Exact Sciences
Classification: Uncertain significance for PCNT-related condition. Last evaluated: 2026-04-07. Review status: criteria provided, single submitter. Criteria: ACMG Guidelines, 2015. Collection method: clinical testing. Allele origin: germline.
Comment: The PCNT c.9023A>G variant is predicted to result in the amino acid substitution p.Asn3008Ser. To our knowledge, this variant has not been reported in the literature. This variant is reported in 0.011% of alleles in individuals of East Asian descent in gnomAD. At this time, the clinical significance of this variant is uncertain due to the absence of conclusive functional and genetic evidence.

Ambry Genetics
Classification: Uncertain significance for Inborn genetic diseases. Last evaluated: 2023-04-19. Review status: criteria provided, single submitter. Criteria: Ambry Variant Classification Scheme 2023. Collection method: clinical testing. Allele origin: germline.